The following is an entry in ClinVar:

ClinVar aggregate classification (germline): Pathogenic. Review status: criteria provided, multiple submitters, no conflicts (2 of 4 stars). 3 submissions from 3 submitters: Pathogenic (3). Last evaluated 2025-09-09.

Conditions:
Familial meningioma. Also called: Meningioma, familial, susceptibility to. Identifiers: Orphanet 263662, MedGen C3551915, MONDO:0011789, OMIM 607174.
Hereditary cancer-predisposing syndrome. Also called: Tumor predisposition; Hereditary neoplastic syndrome; Hereditary Cancer Syndrome; Neoplastic Syndromes, Hereditary. Identifiers: Orphanet 140162, MedGen C0027672, MeSH D009386, MONDO:0015356.

Submissions (3):

Institute for Genomic Medicine (IGM) Clinical Laboratory, Nationwide Children's Hospital
Classification: Pathogenic for Familial meningioma. Last evaluated: 2025-09-09. Review status: criteria provided, single submitter. Criteria: ACMG Guidelines, 2015. Collection method: clinical testing. Allele origin: germline.
Comment: This variant is predicted to result in loss of function through nonsense-mediated decay of the encoded transcript or premature truncation of the encoded protein in a gene in which loss of function is a known mechanism of disease (ACMG/AMP: PVS1). This variant has been reported at an elevated frequency in affected individuals/in multiple affected individuals in the literature (ACMG/AMP: PS4_Supporting; PMID:25143307). This variant is absent from or present at an exceedingly low frequency in gnomAD, a large-scale control population database (ACMG/AMP: PM2).

Labcorp Genetics (formerly Invitae), Labcorp
Classification: Pathogenic for Familial meningioma. Last evaluated: 2024-06-21. Review status: criteria provided, single submitter. Criteria: Invitae Variant Classification Sherloc (09022015). Collection method: clinical testing. Allele origin: germline.
Comment: This sequence change creates a premature translational stop signal (p.Leu93Valfs*17) in the SMARCE1 gene. It is expected to result in an absent or disrupted protein product. Loss-of-function variants in SMARCE1 are known to be pathogenic (PMID: 23377182). This variant is not present in population databases (gnomAD no frequency). This premature translational stop signal has been observed in individual(s) with clear cell meningioma (PMID: 25143307). This variant is also known as c.275_276insA. For these reasons, this variant has been classified as Pathogenic.

Ambry Genetics
Classification: Pathogenic for Hereditary cancer-predisposing syndrome. Last evaluated: 2023-12-28. Review status: criteria provided, single submitter. Criteria: Ambry Variant Classification Scheme 2023. Collection method: clinical testing. Allele origin: germline.
Comment: The c.275dupA pathogenic mutation, located in coding exon 5 of the SMARCE1 gene, results from a duplication of A at nucleotide position 275, causing a translational frameshift with a predicted alternate stop codon (p.L93Vfs*17). This alteration is expected to result in loss of function by premature protein truncation or nonsense-mediated mRNA decay. Loss-of-function variants in SMARCE1 are known to cause increased risk of meningiomas; however, such associations with neurodevelopmental disorders are exceedingly rare (Kosho T et al. Am J Med Genet C Semin Med Genet. 2014 Sep;166C(3):262-75; Smith JM et al. Nat Genet. 2013 Mar;45(3):295-8). Based on the supporting evidence, this alteration is pathogenic for an increased risk of meningiomas; however, the association of this alteration with Coffin-Siris syndrome is unlikely.

Literature cited by the submitters: PubMed 25143307 (cited by 3 submitters); PubMed 23377182 (cited by Labcorp Genetics (formerly Invitae), Labcorp).

NM_003079.5(SMARCE1):c.275dup (p.Leu93fs)

Gene: SMARCE1 (SWI/SNF related BAF chromatin remodeling complex subunit E1; minus strand). Cytogenetic location: 17q21.2.
Variant type: Duplication.
Coding change: c.275dup on transcript NM_003079.5 (MANE Select); coding-DNA position 275, one base duplicated (A; older notation c.275dupA).
Protein change: p.Leu93fs; shifts the reading frame from leucine 93.
Molecular consequence: frameshift variant.
Genome position (GRCh38, 1-based): chr17:40,636,489, T duplicated on the plus strand (A on the coding strand, the reverse complement: SMARCE1 is on the minus strand); the first of 3 consecutive T bases (chr17:40,636,489-40,636,491); duplicating any one gives the same sequence. VCF-style (leftmost placement, unchanged base first): chr17-40636488-C-CT. GRCh37 (hg19) VCF-style: chr17-38792740-C-CT.
Other names: c.275dupA (NM_003079.4); short protein forms L93fs.
Identifiers: ClinVar variation 3223094 (VCV003223094.4), dbSNP rs2508604668, ClinGen allele CA915940721.
Genomic context (GRCh38, chr17:40,636,488, plus strand): 5'-TTTTTCTTCATCAGTGAGATCTCGCCACATGCCACCAATAATCTTGCCAATCTCCCACAA[C>CT]TTTAGGTCAGGGTTGGAAGCCTTTACTTGGTCCCAGACCTTAAAAAGAAAACAGATGAAA-3'